The following is an entry in ClinVar:

NM_004329.3(BMPR1A):c.-287A>G

Genes: BMPR1A (bone morphogenetic protein receptor type 1A; plus strand), LOC130004245 (ATAC-STARR-seq lymphoblastoid silent region 2573; plus strand). Cytogenetic location: 10q23.2.
Variant type: single nucleotide variant.
Coding change: c.-287A>G on transcript NM_004329.3 (MANE Select); 287 bases upstream of the start codon, A replaced by G.
Molecular consequence: 5 prime UTR variant.
Genome position (GRCh38, 1-based): chr10:86,756,900, A>G. VCF-style: chr10-86756900-A-G. GRCh37 (hg19) VCF-style: chr10-88516657-A-G.
Identifiers: ClinVar variation 182072 (VCV000182072.6), dbSNP rs730881438, ClinGen allele CA298529.

ClinVar aggregate classification (germline): Conflicting classifications of pathogenicity. Review status: criteria provided, conflicting classifications (1 of 4 stars). 3 submissions from 3 submitters: Uncertain significance (1); Benign (1); Likely benign (1). Last evaluated 2026-01-24.

Conditions:
BMPR1A-related disorder. Also called: BMPR1A-related condition.
Generalized juvenile polyposis/juvenile polyposis coli. Also called: Juvenile polyposis coli. Identifiers: Orphanet 329971, MedGen C1868081, MONDO:0008276.

Allele frequency attached by ClinVar (database versions not stated): TOPMed 0.00034.

Submissions (3):

PreventionGenetics, part of Exact Sciences
Classification: Likely benign for BMPR1A-related condition. Last evaluated: 2026-01-24. Review status: criteria provided, single submitter. Criteria: ACMG Guidelines, 2015. Collection method: clinical testing. Allele origin: germline.
Comment: This variant is classified as likely benign based on ACMG/AMP sequence variant interpretation guidelines (Richards et al. 2015 PMID: 25741868, with internal and published modifications).

Illumina Laboratory Services, Illumina
Classification: Uncertain significance for Juvenile polyposis syndrome. Last evaluated: 2017-04-27. Review status: criteria provided, single submitter. Criteria: ICSL Variant Classification Criteria 13 December 2019. Collection method: clinical testing. Allele origin: germline.

GeneDx
Classification: Benign. Last evaluated: 2014-06-13. Review status: criteria provided, single submitter. Criteria: GeneDx Variant Classification (06012015). Collection method: clinical testing. Allele origin: germline. Affected: yes.
Comment: This variant is considered likely benign or benign based on one or more of the following criteria: it is a conservative change, it occurs at a poorly conserved position in the protein, it is predicted to be benign by multiple in silico algorithms, and/or has population frequency not consistent with disease.